The following is an entry in ClinVar:

NM_002633.3(PGM1):c.973C>A (p.Gln325Lys)

Gene: PGM1 (phosphoglucomutase 1; plus strand). Cytogenetic location: 1p31.3.
Variant type: single nucleotide variant.
Coding change: c.973C>A on transcript NM_002633.3 (MANE Select); coding-DNA position 973, C replaced by A.
Protein change: p.Gln325Lys; replaces glutamine 325 with lysine.
Molecular consequence: missense variant.
Genome position (GRCh38, 1-based): chr1:63,636,333, C>A. VCF-style: chr1-63636333-C-A. GRCh37 (hg19) VCF-style: chr1-64102004-C-A.
Other names: c.1027C>A, p.Gln343Lys (NM_001172818.1); c.382C>A, p.Gln128Lys (NM_001172819.2); c.973C>A (NM_002633.2); short protein forms Q343K, Q128K, Q325K.
Identifiers: ClinVar variation 1902423 (VCV001902423.6), dbSNP rs1298824876, ClinGen allele CA340635978.

ClinVar aggregate classification (germline): Uncertain significance. Review status: criteria provided, multiple submitters, no conflicts (2 of 4 stars). 2 submissions from 2 submitters: Uncertain significance (2). Last evaluated 2024-08-01.

Conditions:
PGM1-congenital disorder of glycosylation. Also called: GSD XIV; CDG It; PHOSPHOGLUCOMUTASE 1 DEFICIENCY; PGM1 DEFICIENCY; GLYCOGEN STORAGE DISEASE XIV; Congenital disorder of glycosylation type 1t. Identifiers: Orphanet 319646, MedGen C2752015, MONDO:0013968, OMIM 614921.
Inborn genetic diseases. Identifiers: MedGen C0950123, MeSH D030342.

Submissions (2):

Ambry Genetics
Classification: Uncertain significance for Inborn genetic diseases. Last evaluated: 2024-08-01. Review status: criteria provided, single submitter. Criteria: Ambry Variant Classification Scheme 2023. Collection method: clinical testing. Allele origin: germline.

Labcorp Genetics (formerly Invitae), Labcorp
Classification: Uncertain significance for PGM1-congenital disorder of glycosylation. Last evaluated: 2022-10-17. Review status: criteria provided, single submitter. Criteria: Invitae Variant Classification Sherloc (09022015). Collection method: clinical testing. Allele origin: germline.
Comment: In summary, the available evidence is currently insufficient to determine the role of this variant in disease. Therefore, it has been classified as a Variant of Uncertain Significance. Algorithms developed to predict the effect of missense changes on protein structure and function (SIFT, PolyPhen-2, Align-GVGD) all suggest that this variant is likely to be tolerated. This variant has not been reported in the literature in individuals affected with PGM1-related conditions. This variant is not present in population databases (gnomAD no frequency). This sequence change replaces glutamine, which is neutral and polar, with lysine, which is basic and polar, at codon 325 of the PGM1 protein (p.Gln325Lys).